The following is an entry in ClinVar:

NM_000455.5(STK11):c.863-3_863-2dup

Gene: STK11 (serine/threonine kinase 11; plus strand). Cytogenetic location: 19p13.3.
Variant type: Duplication.
Coding change: c.863-3_863-2dup on transcript NM_000455.5 (MANE Select); 3 bases into the intron before coding-DNA position 863 through the canonical splice acceptor site of the intron before coding-DNA position 863, 2 bases duplicated (CA; older notation c.863-3_863-2dupCA).
Molecular consequence: splice acceptor variant.
Genome position (GRCh38, 1-based): chr19:1,221,946-1,221,947, CA duplicated. VCF-style (leftmost placement, unchanged base first): chr19-1221945-T-TCA. GRCh37 (hg19) VCF-style: chr19-1221944-T-TCA.
Other names: c.863-3_863-2dupCA (NM_000455.4).
Identifiers: ClinVar variation 935232 (VCV000935232.13), dbSNP rs2080787306, ClinGen allele CA1139666156.

ClinVar aggregate classification (germline): Conflicting classifications of pathogenicity. Review status: criteria provided, conflicting classifications (1 of 4 stars). 2 submissions from 2 submitters: Uncertain significance (1); Likely benign (1). Last evaluated 2026-02-05.

Conditions:
Peutz-Jeghers syndrome (PJS). Also called: POLYPOSIS, HAMARTOMATOUS INTESTINAL; POLYPS-AND-SPOTS SYNDROME; Peutz-Jeghers polyposis; Periorificial lentiginosis syndrome. Identifiers: Orphanet 2869, MedGen C0031269, MeSH D010580, MONDO:0008280, OMIM 175200.
Hereditary cancer-predisposing syndrome. Also called: Tumor predisposition; Hereditary neoplastic syndrome; Hereditary Cancer Syndrome; Neoplastic Syndromes, Hereditary. Identifiers: Orphanet 140162, MedGen C0027672, MeSH D009386, MONDO:0015356.

Submissions (2):

Ambry Genetics
Classification: Uncertain significance for Hereditary cancer-predisposing syndrome. Last evaluated: 2026-02-05. Review status: criteria provided, single submitter. Criteria: Ambry Variant Classification Scheme 2023. Collection method: clinical testing. Allele origin: germline.
Comment: The c.863-3_863-2dupCA intronic variant begins three nucleotides before coding exon 7 in the STK11 gene. This variant results from a duplication of two nucleotides at positions c.863-3 to c.863-2. These nucleotide positions are highly conserved in available vertebrate species. In silico splice site analysis predicts that this alteration will not have any significant effect on splicing. Based on the available evidence, the clinical significance of this variant remains unclear.

Labcorp Genetics (formerly Invitae), Labcorp
Classification: Likely benign for Peutz-Jeghers syndrome. Last evaluated: 2024-09-17. Review status: criteria provided, single submitter. Criteria: Invitae Variant Classification Sherloc (09022015). Collection method: clinical testing. Allele origin: germline.